The following is an entry in ClinVar:

NM_007294.4(BRCA1):c.301+2dup

Gene: BRCA1 (BRCA1 DNA repair associated; minus strand). Cytogenetic location: 17q21.31.
Variant type: Duplication.
Coding change: c.301+2dup on transcript NM_007294.4 (MANE Select); the canonical splice donor site of the intron after coding-DNA position 301, one base duplicated (T; older notation c.301+2dupT).
Molecular consequence: splice donor variant. On other transcripts: intron variant (5).
Genome position (GRCh38, 1-based): chr17:43,104,866, A duplicated on the plus strand (T on the coding strand, the reverse complement: BRCA1 is on the minus strand). VCF-style (leftmost placement, unchanged base first): chr17-43104865-T-TA. GRCh37 (hg19) VCF-style: chr17-41256882-T-TA.
Other names: IVS6+2insT; IVS6+2INST; c.301+2dupT (NM_007294.3); c.160+2dup (NM_001408458.1, NM_001407931.1, NM_001407747.1 and 99 more transcripts); c.-218-10006dup (NM_001407967.1, NM_001407966.1); c.-81+2dup (NM_001407959.1, NM_001407962.1, NM_001408512.1 and 4 more transcripts); c.91+2dup (NM_001407885.1, NM_001407886.1, NM_001407898.1 and 58 more transcripts); c.301+2dup (NM_001407686.1, NM_001408397.1, NM_001407632.1 and 164 more transcripts); and 3 more.
Identifiers: ClinVar variation 125664 (VCV000125664.29), dbSNP rs273899694, ClinGen allele CA001965.
Genomic context (GRCh38, chr17:43,104,865, plus strand): 5'-GCAAACTTCCTGAGTTTTCATGGACAGCACTTGAGTGTCATTCTTGGGATATTCAACACT[T>TA]ACACTCCAAACCTGTGTCAAGCTGAAAAGCACAAATGATTTTCAATAGCTCTTCAACAAG-3'

ClinVar aggregate classification (germline): Uncertain significance. Review status: criteria provided, multiple submitters, no conflicts (2 of 4 stars). 9 submissions from 9 submitters: Uncertain significance (7). 2 of the submissions do not count toward it. Last evaluated 2025-09-12.

Conditions:
Hereditary cancer-predisposing syndrome. Also called: Tumor predisposition; Hereditary neoplastic syndrome; Hereditary Cancer Syndrome; Neoplastic Syndromes, Hereditary. Identifiers: Orphanet 140162, MedGen C0027672, MeSH D009386, MONDO:0015356.
Hereditary breast ovarian cancer syndrome. Also called: Hereditary breast and/or ovarian cancer syndrome; Breast and ovarian cancer; Hereditary breast and ovarian cancer syndrome; Hereditary breast and ovarian cancer; Hereditary breast and ovarian cancer syndrome (HBOC); BRCA1- and BRCA2-Associated Hereditary Breast and Ovarian Cancer. Identifiers: Orphanet 145, MedGen C0677776, MeSH D061325, MONDO:0003582. Disease mechanism: loss of function.
Breast-ovarian cancer, familial, susceptibility to, 1 (BROVCA1). Also called: BRCA1 Hereditary Breast and Ovarian Cancer; OVARIAN CANCER, SUSCEPTIBILITY TO. Identifiers: Orphanet 145, MedGen C2676676, MONDO:0011450, OMIM 604370. Disease mechanism: loss of function.

Allele frequency attached by ClinVar (database versions not stated): gnomAD exomes below 0.00001; TOPMed 0.00001.

Submissions (9):

Ambry Genetics
Classification: Uncertain significance for Hereditary cancer-predisposing syndrome. Last evaluated: 2025-09-12. Review status: criteria provided, single submitter. Criteria: Ambry Variant Classification Scheme 2023. Collection method: clinical testing. Allele origin: germline.
Comment: The c.301+2dupT intronic variant results from a duplication of the T nucleotide located two nucleotides after coding exon 4 of the BRCA1 gene. This nucleotide position is highly conserved in available vertebrate species. In silico splice site analysis predicts that this alteration will weaken the native splice donor site. Alterations at this donor site are known to produce an in- frame transcript impacting four amino acids in the BRCA1 RING domain (Ambry internal data). One functional study found that nucleotide substitutions at this donor site are non-functional in a high-throughput, genome editing, haploid cell survival assay (Findlay GM et al. Nature, 2018 10;562:217-222). However, an alteration with a similar splicing impact has also been identified in trans with a pathogenic mutation in BRCA1 in an individual without features of Fanconi Anemia (Ambry internal data, personal communication). Based on the available evidence, the clinical significance of this variant remains unclear.

Quest Diagnostics Nichols Institute San Juan Capistrano
Classification: Uncertain significance. Last evaluated: 2025-01-20. Review status: criteria provided, single submitter. Criteria: Quest Diagnostics criteria. Collection method: clinical testing. Allele origin: unknown.
Comment: The BRCA1 c.301+2dup variant has been reported in the published literature in the Breast Cancer Information Core (BIC) (PMID: 31112363 (2019)). This variant has not been reported in large, multi-ethnic general populations (Genome Aggregation Database). Analysis of this variant using software algorithms for the prediction of the effect of nucleotide changes on splicing yielded predictions that this variant may affect proper BRCA1 mRNA splicing. Based on the available information, we are unable to determine the clinical significance of this variant.

Labcorp Genetics (formerly Invitae), Labcorp
Classification: Uncertain significance for Hereditary breast ovarian cancer syndrome. Last evaluated: 2024-10-18. Review status: criteria provided, single submitter. Criteria: Invitae Variant Classification Sherloc (09022015). Collection method: clinical testing. Allele origin: germline.
Comment: This sequence change falls in intron 5 of the BRCA1 gene. It does not directly change the encoded amino acid sequence of the BRCA1 protein. RNA analysis indicates that this variant induces altered splicing and likely results in the loss of 4 amino acid residue(s), but is expected to preserve the integrity of the reading-frame. This variant is not present in population databases (gnomAD no frequency). This variant has not been reported in the literature in individuals affected with BRCA1-related conditions. ClinVar contains an entry for this variant (Variation ID: 125664). Variants that disrupt the consensus splice site are a relatively common cause of aberrant splicing (PMID: 17576681, 9536098). Studies have shown that this variant results in the activation of a cryptic splice site in exon 5 (internal data). In summary, the available evidence is currently insufficient to determine the role of this variant in disease. Therefore, it has been classified as a Variant of Uncertain Significance.

GeneDx
Classification: Uncertain significance. Last evaluated: 2024-08-27. Review status: criteria provided, single submitter. Criteria: GeneDx Variant Classification Process June 2021. Collection method: clinical testing. Allele origin: germline. Affected: yes.
Comment: In silico analysis supports a deleterious effect on splicing; however a different variant at the same splice site, c.301+1G>C, has been demonstrated to result in an in-frame isoform that replaces 3 amino acids with 1 incorrect one in the critical RING domain, with an unclear effect on protein function (PMID: 20104584, 24389207, 29750258); Has not been previously published as pathogenic or benign to our knowledge; Not observed at significant frequency in large population cohorts (gnomAD); Also known as 420+2dup; This variant is associated with the following publications: (PMID: 31112363, 28408614, 29750258, 28526081, 27836010)

Baylor Genetics
Classification: Uncertain significance for Breast-ovarian cancer, familial, susceptibility to, 1. Last evaluated: 2024-03-22. Review status: criteria provided, single submitter. Criteria: ACMG Guidelines, 2015. Collection method: clinical testing. Allele origin: unknown.

All of Us Research Program, National Institutes of Health
Classification: Uncertain significance for Breast-ovarian cancer, familial, susceptibility to, 1. Last evaluated: 2023-12-13. Review status: criteria provided, single submitter. Criteria: ACMG Guidelines, 2015. Collection method: clinical testing. Allele origin: germline. Inheritance: Autosomal dominant inheritance. Observed: 2 variant alleles, 2 heterozygotes.
Comment: This variant causes a 1-nucleotide insertion in the intron 5 splice donor site of the BRCA1 gene. Splice site prediction tools predict that this variant may have a significant impact on RNA splicing. Although this prediction has not been confirmed in published RNA studies, this variant is expected to result in an absent or disrupted protein product. However, a canonical splice site mutation c.301+1G>C that disrupts this splice donor site has been shown to cause the use of an in-frame cryptic donor site, resulting in a 3 amino acid deletion (PMID: 29750258). A different canonical splice site mutation c.301+1G>A also was reported as not disease-causing based on carrier family history (PMID: 28408614) and it has been found with a BRCA2 truncation variant expected to result in loss-of-function in two individuals with personal and/or family history of breast and/or ovarian cancer (PMID: 27836010, 28526081). These observations for the c.301+1G variants suggest that the deleterious splicing impact of this variant, c.301+2dup, could be ameliorated by alternative splicing. To our knowledge, functional and RNA studies have not been reported for this variant nor has this variant been reported in individuals affected with BRCA1-related disorders in the literature. This variant has not been identified in the general population by the Genome Aggregation Database (gnomAD). The available evidence is insufficient to determine the role of this variant in disease conclusively. Therefore, this variant is classified as a Variant of Uncertain Significance.

This study involves interpretation of variants in research participants for the purpose of population health screening. Participant phenotype was not available at the time of variant classification. Additional details can be found in publication PMID: 35346344, PMCID: PMC8962531

Women's Health and Genetics/Laboratory Corporation of America, LabCorp
Classification: Uncertain significance. Last evaluated: 2022-07-04. Review status: criteria provided, single submitter. Criteria: LabCorp Variant Classification Summary - May 2015. Collection method: clinical testing. Allele origin: germline.
Comment: Variant summary: BRCA1 c.301+2dupT alters a conserved nucleotide located close to a canonical splice site and therefore could affect mRNA splicing, leading to a significantly altered protein sequence. Several computational tools predict a significant impact on normal splicing: Four predict the variant abolishes the canonical 5' splicing donor site. However, these predictions have yet to be confirmed by functional studies. The variant was absent in 251180 control chromosomes. The available data on variant occurrences in the general population are insufficient to allow any conclusion about variant significance. c.301+2dupT has been reported in the literature as c.301+2_301+3insT in at-least one individual of African American ancestry citing the BIC database (example, Friebel_2019). These report(s) do not provide unequivocal conclusions about association of the variant with Hereditary Breast And Ovarian Cancer Syndrome. At-least one co-occurrences with another pathogenic variant(s) have been observed at our laboratory (APC c.1958+3A>G), providing supporting evidence for a benign role. To our knowledge, no experimental evidence demonstrating an impact on protein function has been reported. Three clinical diagnostic laboratories have submitted clinical-significance assessments for this variant to ClinVar after 2014 without evidence for independent evaluation. All laboratories classified the variant as uncertain significance. Based on the evidence outlined above, the variant was classified as uncertain significance.

Sharing Clinical Reports Project (SCRP)
Classification: Likely benign for Breast-ovarian cancer, familial 1. Last evaluated: 2012-08-28. Review status: no assertion criteria provided. Collection method: clinical testing. Allele origin: germline. Not counted in ClinVar's aggregate classification.

Breast Cancer Information Core (BIC) (BRCA1)
Classification: Pathogenic for Breast-ovarian cancer, familial 1. Last evaluated: 2001-02-16. Review status: no assertion criteria provided. Collection method: clinical testing. Allele origin: germline. Affected: yes. Observed: 1 variant allele. Not counted in ClinVar's aggregate classification.

Literature cited by the submitters: PubMed 31112363 (cited by Quest Diagnostics Nichols Institute San Juan Capistrano and Women's Health and Genetics/Laboratory Corporation of America, LabCorp); PubMed 17576681 (cited by Labcorp Genetics (formerly Invitae), Labcorp); PubMed 9536098 (cited by Labcorp Genetics (formerly Invitae), Labcorp); PubMed 27836010 (cited by All of Us Research Program, National Institutes of Health); PubMed 28408614 (cited by All of Us Research Program, National Institutes of Health); PubMed 28526081 (cited by All of Us Research Program, National Institutes of Health); PubMed 29750258 (cited by All of Us Research Program, National Institutes of Health).